The following is an entry in ClinVar:

NM_000135.4(FANCA):c.1163G>T (p.Arg388Ile)

Gene: FANCA (FA complementation group A; minus strand). Cytogenetic location: 16q24.3.
Variant type: single nucleotide variant.
Coding change: c.1163G>T on transcript NM_000135.4 (MANE Select); coding-DNA position 1163, G replaced by T.
Protein change: p.Arg388Ile; replaces arginine 388 with isoleucine.
Molecular consequence: missense variant.
Genome position (GRCh38, 1-based): chr16:89,791,989, C>A on the plus strand (G>T on the coding strand, the complement: FANCA is on the minus strand). VCF-style: chr16-89791989-C-A. GRCh37 (hg19) VCF-style: chr16-89858397-C-A.
Other names: c.1163G>T, p.Arg388Ile (NM_001286167.3); short protein forms R388I.
Identifiers: ClinVar variation 4022163 (VCV004022163.1).
Genomic context (GRCh38, chr16:89,791,989, plus strand): 5'-TCAAGCAGCTGCTGCGCTTCTGGAAAGCAGACAACCAGGGCAGACACAAAGGAGAGCACT[C>A]TCTGCCAGTGAACCTCCTGCGTTTCCAGAACTTCTTGCAAATGGCCAACCAACTCCTCTG-3'
Protein context (NP_000126.2, residues 378-398): VLETQEVHWQ[Arg388Ile]VLSFVSALVV

ClinVar aggregate classification (germline): Uncertain significance (1 of 4 stars; one submission).

Conditions:
Inborn genetic diseases. Identifiers: MedGen C0950123, MeSH D030342.

gnomAD v4.1: 1 of 1,614,220 alleles (0.000062%); highest among the groups gnomAD compares: South Asian, 0.0011%; no homozygotes.

Submission:

Ambry Genetics
Classification: Uncertain significance for Inborn genetic diseases. Last evaluated: 2025-04-06. Review status: criteria provided, single submitter. Criteria: Ambry Variant Classification Scheme 2023. Collection method: clinical testing. Allele origin: germline.
Comment: The p.R388I variant (also known as c.1163G>T), located in coding exon 13 of the FANCA gene, results from a G to T substitution at nucleotide position 1163. The arginine at codon 388 is replaced by isoleucine, an amino acid with similar properties. This amino acid position is conserved. In addition, this alteration is predicted to be tolerated by in silico analysis. Based on the available evidence, the clinical significance of this variant remains unclear.